The following is an entry in ClinVar:

NM_025137.4(SPG11):c.434A>G (p.Gln145Arg)

Gene: SPG11 (SPG11 vesicle trafficking associated, spatacsin; minus strand). Cytogenetic location: 15q21.1.
Variant type: single nucleotide variant.
Coding change: c.434A>G on transcript NM_025137.4 (MANE Select); coding-DNA position 434, A replaced by G.
Protein change: p.Gln145Arg; replaces glutamine 145 with arginine.
Molecular consequence: missense variant.
Genome position (GRCh38, 1-based): chr15:44,660,440, T>C on the plus strand (A>G on the coding strand, the complement: SPG11 is on the minus strand). VCF-style: chr15-44660440-T-C. GRCh37 (hg19) VCF-style: chr15-44952638-T-C.
Other names: c.434A>G, p.Gln145Arg (NM_001160227.2); short protein forms Q145R.
Identifiers: ClinVar variation 859288 (VCV000859288.10), dbSNP rs780634621, ClinGen allele CA7535847.

ClinVar aggregate classification (germline): Uncertain significance. Review status: criteria provided, multiple submitters, no conflicts (2 of 4 stars). 2 submissions from 2 submitters: Uncertain significance (2). Last evaluated 2025-09-25.

Conditions:
Inborn genetic diseases. Identifiers: MedGen C0950123, MeSH D030342.
Hereditary spastic paraplegia 11. Also called: SPASTIC PARAPLEGIA, AUTOSOMAL RECESSIVE, COMPLICATED, WITH THIN CORPUS CALLOSUM; SPASTIC PARAPLEGIA, AUTOSOMAL RECESSIVE, WITH MENTAL IMPAIRMENT AND THIN CORPUS CALLOSUM; Spastic paraplegia, mental retardation and thin corpus callosum; Nakamura Osame syndrome; Autosomal recessive hereditary spastic paraplegia, mental impairment, and thin corpus callosum; Spastic Paraplegia 11. Identifiers: Orphanet 2822, MedGen C1858479, MONDO:0011445, OMIM 604360.

Allele frequency attached by ClinVar (database versions not stated): gnomAD exomes below 0.00001; ExAC 0.00001.
gnomAD v4.1: 1 of 1,613,630 alleles (0.000062%); highest among the groups gnomAD compares: Non-Finnish European, 0.000085%; no homozygotes.

Submissions (2):

Ambry Genetics
Classification: Uncertain significance for Inborn genetic diseases. Last evaluated: 2025-09-25. Review status: criteria provided, single submitter. Criteria: Ambry Variant Classification Scheme 2023. Collection method: clinical testing. Allele origin: germline.

Labcorp Genetics (formerly Invitae), Labcorp
Classification: Uncertain significance for Hereditary spastic paraplegia 11. Last evaluated: 2025-04-07. Review status: criteria provided, single submitter. Criteria: Invitae Variant Classification Sherloc (09022015). Collection method: clinical testing. Allele origin: germline.
Comment: This sequence change replaces glutamine, which is neutral and polar, with arginine, which is basic and polar, at codon 145 of the SPG11 protein (p.Gln145Arg). This variant is present in population databases (rs780634621, gnomAD 0.006%). This variant has not been reported in the literature in individuals affected with SPG11-related conditions. ClinVar contains an entry for this variant (Variation ID: 859288). An algorithm developed to predict the effect of missense changes on protein structure and function (PolyPhen-2) suggests that this variant is likely to be tolerated. In summary, the available evidence is currently insufficient to determine the role of this variant in disease. Therefore, it has been classified as a Variant of Uncertain Significance.